The following is an entry in ClinVar:

ClinVar aggregate classification (germline): Uncertain significance (1 of 4 stars; one submission).

Conditions:
Hereditary cancer-predisposing syndrome. Also called: Neoplastic Syndromes, Hereditary; Tumor predisposition; Hereditary Cancer Syndrome; Hereditary neoplastic syndrome. Identifiers: Orphanet 140162, MedGen C0027672, MeSH D009386, MONDO:0015356.

Submission:

Ambry Genetics
Classification: Uncertain significance for Hereditary cancer-predisposing syndrome. Last evaluated: 2024-08-09. Review status: criteria provided, single submitter. Criteria: Ambry Variant Classification Scheme 2023. Collection method: clinical testing. Allele origin: germline.
Comment: The c.1576_1577delCCinsAT variant (also known as p.P526I), located in coding exon 12 of the POT1 gene, results from an in-frame deletion of CC and insertion of AT at nucleotide positions 1576 to 1577. This results in the substitution of the proline residue for an isoleucine residue at codon 526, an amino acid with similar properties. This amino acid position is well conserved in available vertebrate species. In addition, the in silico prediction for this alteration is inconclusive (Choi Y et al. PLoS ONE. 2012; 7(10):e46688). Based on the available evidence, the clinical significance of this variant remains unclear.

NM_015450.3(POT1):c.1576_1577delinsAT (p.Pro526Ile)

Gene: POT1 (protection of telomeres 1; minus strand). Cytogenetic location: 7q31.33.
Variant type: Indel.
Coding change: c.1576_1577delinsAT on transcript NM_015450.3 (MANE Select); coding-DNA positions 1576 to 1577, CC replaced by AT.
Protein change: p.Pro526Ile; replaces proline 526 with isoleucine.
Molecular consequence: missense variant. On other transcripts: non-coding transcript variant (2).
Genome position (GRCh38, 1-based): chr7:124,829,271-124,829,272, GG replaced by AT on the plus strand (CC replaced by AT on the coding strand, the reverse complement: POT1 is on the minus strand). VCF-style: chr7-124829271-GG-AT. GRCh37 (hg19) VCF-style: chr7-124469325-GG-AT.
Other names: c.1183_1184delinsAT, p.Pro395Ile (NM_001042594.2); short protein forms P395I, P526I.
Identifiers: ClinVar variation 3423107 (VCV003423107.1).